The following is an entry in ClinVar:

NM_000642.3(AGL):c.460+1G>A

Gene: AGL (amylo-alpha-1,6-glucosidase and 4-alpha-glucanotransferase; plus strand). Cytogenetic location: 1p21.2.
Variant type: single nucleotide variant.
Coding change: c.460+1G>A on transcript NM_000642.3 (MANE Select); the canonical splice donor site of the intron after coding-DNA position 460, G replaced by A.
Molecular consequence: splice donor variant. On other transcripts: intron variant (1).
Genome position (GRCh38, 1-based): chr1:99,862,424, G>A. VCF-style: chr1-99862424-G-A. GRCh37 (hg19) VCF-style: chr1-100327980-G-A.
Other names: c.460+1G>A (NM_000643.3, NM_000644.3, NM_001425326.1 and 5 more transcripts); c.412+1G>A (NM_000646.3); c.83-1962G>A (NM_001425332.1).
Identifiers: ClinVar variation 550726 (VCV000550726.6), dbSNP rs930434905, ClinGen allele CA27561461.

ClinVar aggregate classification (germline): Likely pathogenic. Review status: criteria provided, multiple submitters, no conflicts (2 of 4 stars). 4 submissions from 4 submitters: Likely pathogenic (3). 1 of the submissions does not count toward it. Last evaluated 2024-04-14.

Conditions:
Glycogen storage disease type III (GSD3). Also called: FORBES DISEASE; Cori disease. Identifiers: Orphanet 366, MedGen C0017922, MONDO:0009291, OMIM 232400.

Submissions (4):

Labcorp Genetics (formerly Invitae), Labcorp
Classification: Likely pathogenic for Glycogen storage disease type III. Last evaluated: 2024-04-14. Review status: criteria provided, single submitter. Criteria: Invitae Variant Classification Sherloc (09022015). Collection method: clinical testing. Allele origin: germline.
Comment: This sequence change affects a donor splice site in intron 4 of the AGL gene. It is expected to disrupt RNA splicing. Variants that disrupt the donor or acceptor splice site typically lead to a loss of protein function (PMID: 16199547), and loss-of-function variants in AGL are known to be pathogenic (PMID: 19299494). This variant is not present in population databases (gnomAD no frequency). Disruption of this splice site has been observed in individual(s) with glycogen storage disease type III (PMID: 24257475). ClinVar contains an entry for this variant (Variation ID: 550726). Algorithms developed to predict the effect of sequence changes on RNA splicing suggest that this variant may disrupt the consensus splice site. In summary, the currently available evidence indicates that the variant is pathogenic, but additional data are needed to prove that conclusively. Therefore, this variant has been classified as Likely Pathogenic.

Genome-Nilou Lab
Classification: Likely pathogenic for Glycogen storage disease type III. Last evaluated: 2023-04-11. Review status: criteria provided, single submitter. Criteria: ACMG Guidelines, 2015. Collection method: clinical testing. Allele origin: germline. Affected: no.

Fulgent Genetics
Classification: Likely pathogenic for Glycogen storage disease type III. Last evaluated: 2021-11-05. Review status: criteria provided, single submitter. Criteria: ACMG Guidelines, 2015. Collection method: clinical testing. Allele origin: unknown.

Counsyl
Classification: Likely pathogenic for Glycogen storage disease type III. Last evaluated: 2017-02-09. Review status: no assertion criteria provided. Collection method: clinical testing. Allele origin: unknown. Not counted in ClinVar's aggregate classification.

Literature cited by the submitters: PubMed 16199547 (cited by Labcorp Genetics (formerly Invitae), Labcorp); PubMed 19299494 (cited by Labcorp Genetics (formerly Invitae), Labcorp); PubMed 24257475 (cited by Labcorp Genetics (formerly Invitae), Labcorp).